The following is an entry in ClinVar:

ClinVar aggregate classification (germline): Conflicting classifications of pathogenicity. Review status: criteria provided, conflicting classifications (1 of 4 stars). 8 submissions from 8 submitters: Uncertain significance (1); Benign (3); Likely benign (4). Last evaluated 2026-04-01.

Conditions:
Autosomal dominant nocturnal frontal lobe epilepsy 4. Also called: EPILEPSY, FAMILIAL, WITH NOCTURNAL WANDERING AND ICTAL FEAR; CHRNA2-Related Nocturnal Frontal Lobe Epilepsy, Autosomal Dominant. Identifiers: Orphanet 98784, MedGen C1835905, MONDO:0012474, OMIM 610353.
Familial sleep-related hypermotor epilepsy. Also called: Autosomal Dominant Sleep-Related Hypermotor (Hyperkinetic) Epilepsy. Identifiers: Orphanet 98784, MedGen C3696898, MONDO:0000030.
Inborn genetic diseases. Identifiers: MedGen C0950123, MeSH D030342.

Allele frequency attached by ClinVar (database versions not stated): 1000 Genomes Project 30x 0.00031; ExAC 0.00035; 1000 Genomes Project 0.00040; gnomAD exomes 0.00041 and 0.00066; gnomAD 0.00046; TOPMed 0.00048; ESP Exome Variant Server 0.00054.
gnomAD v4.1: 1,031 of 1,614,232 alleles (0.064%); highest among the groups gnomAD compares: Non-Finnish European, 0.082%; no homozygotes.

Submissions (8):

CeGaT Center for Human Genetics Tuebingen
Classification: Likely benign. Last evaluated: 2026-04-01. Review status: criteria provided, single submitter. Criteria: CeGaT Center For Human Genetics Tuebingen Variant Classification Criteria Version 2. Collection method: clinical testing. Allele origin: germline. Affected: yes. Observed: 2 variant alleles.
Comment: CHRNA2: BP4, BP7

Labcorp Genetics (formerly Invitae), Labcorp
Classification: Likely benign. Last evaluated: 2026-01-12. Review status: criteria provided, single submitter. Criteria: Invitae Variant Classification Sherloc (09022015). Collection method: clinical testing. Allele origin: germline.

Blueprint Genetics
Classification: Likely benign. Last evaluated: 2024-11-27. Review status: criteria provided, single submitter. Criteria: ACMG Guidelines, 2015. Collection method: clinical testing. Allele origin: germline.

GeneDx
Classification: Benign. Last evaluated: 2018-11-12. Review status: criteria provided, single submitter. Criteria: GeneDx Variant Classification Process June 2021. Collection method: clinical testing. Allele origin: germline. Affected: yes.

Eurofins Ntd Llc (ga)
Classification: Uncertain significance. Last evaluated: 2018-05-18. Review status: criteria provided, single submitter. Criteria: EGL ClinVar v180209 classification definitions. Collection method: clinical testing. Allele origin: germline. Observed: 1 variant allele, 1 heterozygote.

Illumina Laboratory Services, Illumina
Classification: Benign for Autosomal dominant nocturnal frontal lobe epilepsy 4. Last evaluated: 2018-01-13. Review status: criteria provided, single submitter. Criteria: ICSL Variant Classification Criteria 13 December 2019. Collection method: clinical testing. Allele origin: germline.
Comment: This variant was observed in the ICSL laboratory as part of a predisposition screen in an ostensibly healthy population. It had not been previously curated by ICSL or reported in the Human Gene Mutation Database (HGMD: prior to June 1st, 2018), and was therefore a candidate for classification through an automated scoring system. Utilizing variant allele frequency, disease prevalence and penetrance estimates, and inheritance mode, an automated score was calculated to assess if this variant is too frequent to cause the disease. Based on the score and internal cut-off values, a variant classified as benign is not then subjected to further curation. The score for this variant resulted in a classification of benign for this disease.

Athena Diagnostics
Classification: Benign. Last evaluated: 2017-04-11. Review status: criteria provided, single submitter. Criteria: Athena Diagnostics Criteria. Collection method: clinical testing. Allele origin: germline.

Ambry Genetics
Classification: Likely benign for Inborn genetic diseases. Last evaluated: 2017-04-08. Review status: criteria provided, single submitter. Criteria: Ambry Variant Classification Scheme 2023. Collection method: clinical testing. Allele origin: germline.

NM_000742.4(CHRNA2):c.1530C>T (p.Ile510=)

Gene: CHRNA2 (cholinergic receptor nicotinic alpha 2 subunit; minus strand). Cytogenetic location: 8p21.2.
Variant type: single nucleotide variant.
Coding change: c.1530C>T on transcript NM_000742.4 (MANE Select); coding-DNA position 1530, C replaced by T.
Protein change: p.Ile510=; no amino-acid change (isoleucine 510 retained).
Molecular consequence: synonymous variant.
Genome position (GRCh38, 1-based): chr8:27,461,689, G>A on the plus strand (C>T on the coding strand, the complement: CHRNA2 is on the minus strand). VCF-style: chr8-27461689-G-A. GRCh37 (hg19) VCF-style: chr8-27319206-G-A.
Other names: c.1485C>T, p.Ile495= (NM_001282455.2); c.1053C>T, p.Ile351= (NM_001347705.2, NM_001347706.2); c.936C>T, p.Ile312= (NM_001347707.2, NM_001347708.2).
Identifiers: ClinVar variation 362693 (VCV000362693.29), dbSNP rs149142237, ClinGen allele CA4689410.